The following is an entry in ClinVar:

ClinVar aggregate classification (germline): Uncertain significance. Review status: criteria provided, multiple submitters, no conflicts (2 of 4 stars). 3 submissions from 3 submitters: Uncertain significance (3). Last evaluated 2025-08-20.

Conditions:
Developmental delay, hypotonia, musculoskeletal defects, and behavioral abnormalities. Identifiers: MedGen C5562012, MONDO:0859202, OMIM 619595.
Floating-Harbor syndrome (FLHS). Also called: SRCAP-Related Floating-Harbor Syndrome; Short stature with delayed bone age, expressive language delay, a triangular face with a prominent nose and deep-set eyes; Pelletier-Leisti syndrome. Identifiers: Orphanet 2044, MedGen C0729582, MONDO:0007621, OMIM 136140.
Inborn genetic diseases. Identifiers: MedGen C0950123, MeSH D030342.

gnomAD v4.1: 8 of 1,613,990 alleles (0.0005%); highest among the groups gnomAD compares: Non-Finnish European, 0.000085%; no homozygotes.

Submissions (3):

Ambry Genetics
Classification: Uncertain significance for Inborn genetic diseases. Last evaluated: 2025-08-20. Review status: criteria provided, single submitter. Criteria: Ambry Variant Classification Scheme 2023. Collection method: clinical testing. Allele origin: germline.

Labcorp Genetics (formerly Invitae), Labcorp
Classification: Uncertain significance. Last evaluated: 2024-08-23. Review status: criteria provided, single submitter. Criteria: Invitae Variant Classification Sherloc (09022015). Collection method: clinical testing. Allele origin: germline.
Comment: This sequence change replaces threonine, which is neutral and polar, with isoleucine, which is neutral and non-polar, at codon 2884 of the SRCAP protein (p.Thr2884Ile). This variant is present in population databases (rs375027179, gnomAD 0.006%). This variant has not been reported in the literature in individuals affected with SRCAP-related conditions. Invitae Evidence Modeling of protein sequence and biophysical properties (such as structural, functional, and spatial information, amino acid conservation, physicochemical variation, residue mobility, and thermodynamic stability) indicates that this missense variant is not expected to disrupt SRCAP protein function with a negative predictive value of 80%. In summary, the available evidence is currently insufficient to determine the role of this variant in disease. Therefore, it has been classified as a Variant of Uncertain Significance.

Fulgent Genetics
Classification: Uncertain significance for Floating-Harbor syndrome; Developmental delay, hypotonia, musculoskeletal defects, and behavioral abnormalities. Last evaluated: 2024-01-24. Review status: criteria provided, single submitter. Criteria: ACMG Guidelines, 2015. Collection method: clinical testing. Allele origin: germline.

NM_006662.3(SRCAP):c.8651C>T (p.Thr2884Ile)

Gene: SRCAP (Snf2 related CREBBP activator protein; plus strand). Cytogenetic location: 16p11.2.
Variant type: single nucleotide variant.
Coding change: c.8651C>T on transcript NM_006662.3 (MANE Select); coding-DNA position 8651, C replaced by T.
Protein change: p.Thr2884Ile; replaces threonine 2884 with isoleucine.
Molecular consequence: missense variant.
Genome position (GRCh38, 1-based): chr16:30,738,691, C>T. VCF-style: chr16-30738691-C-T. GRCh37 (hg19) VCF-style: chr16-30750012-C-T.
Other names: c.8651C>T (NM_006662.2); short protein forms T2884I.
Identifiers: ClinVar variation 3580240 (VCV003580240.4).